The following is an entry in ClinVar:

ClinVar aggregate classification (germline): Uncertain significance (1 of 4 stars; one submission).

Allele frequency attached by ClinVar (database versions not stated): gnomAD exomes below 0.00001; ExAC 0.00001.
gnomAD v4.1: 2 of 1,520,114 alleles (0.00013%); highest among the groups gnomAD compares: South Asian, 0.0022%; no homozygotes.

Submission:

Ambry Genetics
Classification: Uncertain significance. Last evaluated: 2024-08-26. Review status: criteria provided, single submitter. Criteria: Ambry Variant Classification Scheme 2023. Collection method: clinical testing. Allele origin: germline.
Comment: The p.S244L variant (also known as c.731C>T), located in coding exon 5 of the POLQ gene, results from a C to T substitution at nucleotide position 731. The serine at codon 244 is replaced by leucine, an amino acid with dissimilar properties. This amino acid position is conserved. In addition, this alteration is predicted to be tolerated by in silico analysis. Since supporting evidence is limited at this time, the clinical significance of this alteration remains unclear.

NM_199420.4(POLQ):c.731C>T (p.Ser244Leu)

Gene: POLQ (DNA polymerase theta; minus strand). Cytogenetic location: 3q13.33.
Variant type: single nucleotide variant.
Coding change: c.731C>T on transcript NM_199420.4 (MANE Select); coding-DNA position 731, C replaced by T.
Protein change: p.Ser244Leu; replaces serine 244 with leucine.
Molecular consequence: missense variant.
Genome position (GRCh38, 1-based): chr3:121,537,109, G>A on the plus strand (C>T on the coding strand, the complement: POLQ is on the minus strand). VCF-style: chr3-121537109-G-A. GRCh37 (hg19) VCF-style: chr3-121255956-G-A.
Other names: short protein forms S244L.
Identifiers: ClinVar variation 1758301 (VCV001758301.3), dbSNP rs756882871, ClinGen allele CA2563745.